The following is an entry in ClinVar:

ClinVar aggregate classification (germline): Uncertain significance (1 of 4 stars; one submission).

Allele frequency attached by ClinVar (database versions not stated): gnomAD exomes below 0.00001; TOPMed below 0.00001.
gnomAD v4.1: 2 of 1,614,170 alleles (0.00012%); highest among the groups gnomAD compares: Admixed American, 0.0017%; no homozygotes.

Submission:

Labcorp Genetics (formerly Invitae), Labcorp
Classification: Uncertain significance. Last evaluated: 2023-11-06. Review status: criteria provided, single submitter. Criteria: Invitae Variant Classification Sherloc (09022015). Collection method: clinical testing. Allele origin: germline.
Comment: This sequence change replaces leucine, which is neutral and non-polar, with proline, which is neutral and non-polar, at codon 201 of the TYRP1 protein (p.Leu201Pro). This variant is not present in population databases (gnomAD no frequency). This variant has not been reported in the literature in individuals affected with TYRP1-related conditions. ClinVar contains an entry for this variant (Variation ID: 1386177). Advanced modeling of protein sequence and biophysical properties (such as structural, functional, and spatial information, amino acid conservation, physicochemical variation, residue mobility, and thermodynamic stability) performed at Invitae indicates that this missense variant is not expected to disrupt TYRP1 protein function with a negative predictive value of 80%. In summary, the available evidence is currently insufficient to determine the role of this variant in disease. Therefore, it has been classified as a Variant of Uncertain Significance.

NM_000550.3(TYRP1):c.602T>C (p.Leu201Pro)

Gene: TYRP1 (tyrosinase related protein 1; plus strand). Cytogenetic location: 9p23.
Variant type: single nucleotide variant.
Coding change: c.602T>C on transcript NM_000550.3 (MANE Select); coding-DNA position 602, T replaced by C.
Protein change: p.Leu201Pro; replaces leucine 201 with proline.
Molecular consequence: missense variant.
Genome position (GRCh38, 1-based): chr9:12,695,731, T>C. VCF-style: chr9-12695731-T-C. GRCh37 (hg19) VCF-style: chr9-12695731-T-C.
Other names: short protein forms L201P.
Identifiers: ClinVar variation 1386177 (VCV001386177.6), dbSNP rs1818069370, ClinGen allele CA372937758.
Genomic context (GRCh38, chr9:12,695,731, plus strand): 5'-ACATTTCCATTTATAACTACTTTGTTTGGACACACTATTACTCAGTCAAAAAGACTTTCC[T>C]TGGGGTAGGACAGGAAAGCTTTGGTGAAGTGGATTTCTCTCATGAGGGACCAGCTTTTCT-3'
Protein context (NP_000541.1, residues 191-211): THYYSVKKTF[Leu201Pro]GVGQESFGEV